The following is an entry in ClinVar:

ClinVar aggregate classification (germline): Likely pathogenic (1 of 4 stars; one submission).

Conditions:
Neurodevelopmental disorder with involuntary movements (NEDIM). Identifiers: Orphanet 592564, MedGen C4479569, MONDO:0060491, OMIM 617493.

Submission:

3billion
Classification: Likely pathogenic for Neurodevelopmental disorder with involuntary movements. Last evaluated: 2024-08-16. Review status: criteria provided, single submitter. Criteria: ACMG Guidelines, 2015. Collection method: clinical testing. Allele origin: germline. Affected: yes.
Comment: The variant is not observed in the gnomAD v4.0.0 dataset. Predicted Consequence/Location: Missense changes are a common disease-causing mechanism. In silico tool predictions suggest damaging effect of the variant on gene or gene product [REVEL: 0.90 (>=0.6, sensitivity 0.68 and specificity 0.92); 3Cnet: 0.93 (>=0.6, sensitivity 0.72 and precision 0.9)]. Different missense changes at the same codon (p.Gln52Arg, p.Gln52Pro) have been reported as pathogenic/likely pathogenic with strong evidence (ClinVar ID: VCV001389555, VCV002152262 /PMID: 29390993, 34685729). Therefore, this variant is classified as Likely pathogenic according to the recommendation of ACMG/AMP guideline.

Literature cited by the submitters: PubMed 29390993.

NM_020988.3(GNAO1):c.156G>C (p.Gln52His)

Gene: GNAO1 (G protein subunit alpha o1; plus strand). Cytogenetic location: 16q13.
Variant type: single nucleotide variant.
Coding change: c.156G>C on transcript NM_020988.3 (MANE Select); coding-DNA position 156, G replaced by C.
Protein change: p.Gln52His; replaces glutamine 52 with histidine.
Molecular consequence: missense variant.
Genome position (GRCh38, 1-based): chr16:56,192,611, G>C. VCF-style: chr16-56192611-G-C. GRCh37 (hg19) VCF-style: chr16-56226523-G-C.
Other names: c.156G>C, p.Gln52His (NM_138736.3); short protein forms Q52H.
Identifiers: ClinVar variation 4291992 (VCV004291992.1).